The following is an entry in ClinVar:

ClinVar aggregate classification (germline): Likely benign (1 of 4 stars; one submission).

Conditions:
HSD3B7-related disorder. Also called: HSD3B7-related condition.

gnomAD v4.1: 29 of 1,603,002 alleles (0.0018%); highest among the groups gnomAD compares: East Asian, 0.0022%; no homozygotes.

Submission:

PreventionGenetics, part of Exact Sciences
Classification: Likely benign for HSD3B7-related condition. Last evaluated: 2026-01-15. Review status: criteria provided, single submitter. Criteria: ACMG Guidelines, 2015. Collection method: clinical testing. Allele origin: germline.
Comment: This variant is classified as likely benign based on ACMG/AMP sequence variant interpretation guidelines (Richards et al. 2015 PMID: 25741868, with internal and published modifications).

NM_025193.4(HSD3B7):c.1089C>T (p.Ala363=)

Gene: HSD3B7 (hydroxy-delta-5-steroid dehydrogenase, 3 beta- and steroid delta-isomerase 7; plus strand). Cytogenetic location: 16p11.2.
Variant type: single nucleotide variant.
Coding change: c.1089C>T on transcript NM_025193.4 (MANE Select); coding-DNA position 1089, C replaced by T.
Protein change: p.Ala363=; no amino-acid change (alanine 363 retained).
Molecular consequence: synonymous variant. On other transcripts: 3 prime UTR variant (2).
Genome position (GRCh38, 1-based): chr16:30,988,162, C>T. VCF-style: chr16-30988162-C-T. GRCh37 (hg19) VCF-style: chr16-30999483-C-T.
Other names: c.*335C>T (NM_001142777.2, NM_001142778.2).
Identifiers: ClinVar variation 4987136 (VCV004987136.1).